The following is an entry in ClinVar:

ClinVar aggregate classification (germline): Likely pathogenic. Review status: criteria provided, multiple submitters, no conflicts (2 of 4 stars). 2 submissions from 2 submitters: Likely pathogenic (2). Last evaluated 2026-01-19.

Conditions:
VPS13A-related neurodegenerative disease. Also called: LEVINE-CRITCHLEY SYNDROME; Choreoacanthocytosis; Chorea-acanthocytosis; ACANTHOCYTOSIS WITH NEUROLOGIC DISORDER; VPS13A Disease; Choreaacanthocytosis. Identifiers: Orphanet 2388, MedGen C0393576, MONDO:0008695, OMIM 200150.

Submissions (2):

Labcorp Genetics (formerly Invitae), Labcorp
Classification: Likely pathogenic. Last evaluated: 2026-01-19. Review status: criteria provided, single submitter. Criteria: Invitae Variant Classification Sherloc (09022015). Collection method: clinical testing. Allele origin: germline.
Comment: This variant results in the deletion of part of exon 12 (c.883-1_892del) of the VPS13A gene. It is expected to disrupt RNA splicing. Variants that disrupt the donor or acceptor splice site typically lead to a loss of protein function (PMID: 16199547), and loss-of-function variants in VPS13A are known to be pathogenic (PMID: 12404112, 21598378). This variant is not present in population databases (gnomAD no frequency). This variant has been observed in individual(s) with chorea-acanthocytosis (PMID: 12404112). In summary, the currently available evidence indicates that the variant is pathogenic, but additional data are needed to prove that conclusively. Therefore, this variant has been classified as Likely Pathogenic.

Natera, Inc.
Classification: Likely pathogenic for Choreaacanthocytosis. Last evaluated: 2025-10-21. Review status: criteria provided, single submitter. Criteria: Natera Variant Classification Schema (03/2026). Collection method: clinical testing. Allele origin: germline.
Comment: The c.883-1_892delGTATTTCAGTA variant in VPS13A is a canonical splice acceptor site variant predicted to affect pre-mRNA splicing, which may result in an abnormal transcript and altered protein product. This variant is expected to result in nonsense mediated decay, truncation, or a dysfunctional protein product. This variant is rare in the general population with a frequency below the threshold expected for the associated phenotype(s). Given the available evidence, this variant is classified as Likely Pathogenic.

Literature cited by the submitters: PubMed 16199547 (cited by Labcorp Genetics (formerly Invitae), Labcorp); PubMed 12404112 (cited by Labcorp Genetics (formerly Invitae), Labcorp); PubMed 21598378 (cited by Labcorp Genetics (formerly Invitae), Labcorp).

NM_033305.3(VPS13A):c.883-1_892del

Gene: VPS13A (vacuolar protein sorting 13 homolog A; plus strand). Cytogenetic location: 9q21.2.
Variant type: Deletion.
Coding change: c.883-1_892del on transcript NM_033305.3 (MANE Select); the canonical splice acceptor site of the intron before coding-DNA position 883 through coding-DNA position 892, 11 bases deleted (GTATTTCAGTA).
Molecular consequence: splice acceptor variant.
Genome position (GRCh38, 1-based): chr9:77,220,276-77,220,286, GTATTTCAGTA deleted; deleting any 11 consecutive bases within chr9:77,220,274-77,220,286 gives the same sequence; the c. name uses the placement nearest the transcript's 3' end. VCF-style (leftmost placement, unchanged base first): chr9-77220273-TTAGTATTTCAG-T. GRCh37 (hg19) VCF-style: chr9-79835189-TTAGTATTTCAG-T.
Other names: c.883-1_892delGTATTTCAGTA (NM_033305.2); c.883-1_892del (NM_001018037.2, NM_015186.4, NM_001018038.3).
Identifiers: ClinVar variation 4709674 (VCV004709674.2).